The following is an entry in ClinVar:

ClinVar aggregate classification (germline): Uncertain significance. Review status: criteria provided, multiple submitters, no conflicts (2 of 4 stars). 2 submissions from 2 submitters: Uncertain significance (2). Last evaluated 2026-01-01.

Conditions:
Developmental and epileptic encephalopathy, 30 (DEE30). Also called: Epileptic encephalopathy, early infantile, 30. Identifiers: OMIM 616341, MedGen C4225360, MONDO:0014595.

Submissions (2):

CeGaT Center for Human Genetics Tuebingen
Classification: Uncertain significance. Last evaluated: 2026-01-01. Review status: criteria provided, single submitter. Criteria: CeGaT Center For Human Genetics Tuebingen Variant Classification Criteria Version 2. Collection method: clinical testing. Allele origin: germline. Affected: yes. Observed: 1 variant allele.
Comment: SIK1: PM2, BP4

Labcorp Genetics (formerly Invitae), Labcorp
Classification: Uncertain significance for Developmental and epileptic encephalopathy, 30. Last evaluated: 2022-07-30. Review status: criteria provided, single submitter. Criteria: Invitae Variant Classification Sherloc (09022015). Collection method: clinical testing. Allele origin: germline.
Comment: In summary, the available evidence is currently insufficient to determine the role of this variant in disease. Therefore, it has been classified as a Variant of Uncertain Significance. Variants that disrupt the consensus splice site are a relatively common cause of aberrant splicing (PMID: 17576681, 9536098). Algorithms developed to predict the effect of sequence changes on RNA splicing suggest that this variant is not likely to affect RNA splicing. ClinVar contains an entry for this variant (Variation ID: 1359921). This variant has not been reported in the literature in individuals affected with SIK1-related conditions. This variant is not present in population databases (gnomAD no frequency). This sequence change falls in intron 3 of the SIK1 gene. It does not directly change the encoded amino acid sequence of the SIK1 protein. It affects a nucleotide within the consensus splice site.

Literature cited by the submitters: PubMed 17576681 (cited by Labcorp Genetics (formerly Invitae), Labcorp); PubMed 9536098 (cited by Labcorp Genetics (formerly Invitae), Labcorp).

NM_173354.5(SIK1):c.273+4A>T

Gene: SIK1 (salt inducible kinase 1; minus strand). Cytogenetic location: 21q22.3.
Variant type: single nucleotide variant.
Coding change: c.273+4A>T on transcript NM_173354.5 (MANE Select); 4 bases into the intron after coding-DNA position 273, A replaced by T.
Molecular consequence: intron variant.
Genome position (GRCh38, 1-based): chr21:43,425,403, T>A on the plus strand (A>T on the coding strand, the complement: SIK1 is on the minus strand). VCF-style: chr21-43425403-T-A. GRCh37 (hg19) VCF-style: chr21-44845283-T-A.
Identifiers: ClinVar variation 1359921 (VCV001359921.10), dbSNP rs2146475925, ClinGen allele CA2573157511.
Genomic context (GRCh38, chr21:43,425,403, plus strand): 5'-CTGTTGGAAATAAAATATAACACATTTGCCAGGATTAGCAGAGAAAGGCAAGCTGACCCC[T>A]TACCTGGTAAAGCTTTATGATGTGTGGATGGTTCAGAAGCTTCATCAGCTGAACCTCACG-3'